The following is an entry in ClinVar:

ClinVar aggregate classification (germline): Pathogenic (1 of 4 stars; one submission).

Submission:

Labcorp Genetics (formerly Invitae), Labcorp
Classification: Pathogenic. Last evaluated: 2023-12-19. Review status: criteria provided, single submitter. Criteria: Invitae Variant Classification Sherloc (09022015). Collection method: clinical testing. Allele origin: germline.
Comment: This sequence change creates a premature translational stop signal (p.Lys415*) in the SERPING1 gene. While this is not anticipated to result in nonsense mediated decay, it is expected to disrupt the last 86 amino acid(s) of the SERPING1 protein. This variant is not present in population databases (gnomAD no frequency). This variant has not been reported in the literature in individuals affected with SERPING1-related conditions. This variant disrupts a region of the SERPING1 protein in which other variant(s) (p.Arg494*) have been determined to be pathogenic (PMID: 8755917, 30508583, 32065705). This suggests that this is a clinically significant region of the protein, and that variants that disrupt it are likely to be disease-causing. For these reasons, this variant has been classified as Pathogenic.

Literature cited by the submitters: PubMed 8755917; PubMed 30508583; PubMed 32065705.

NM_000062.3(SERPING1):c.1243A>T (p.Lys415Ter)

Gene: SERPING1 (serpin family G member 1; plus strand). Cytogenetic location: 11q12.1.
Variant type: single nucleotide variant.
Coding change: c.1243A>T on transcript NM_000062.3 (MANE Select); coding-DNA position 1243, A replaced by T.
Protein change: p.Lys415Ter; replaces lysine 415 with a stop codon.
Molecular consequence: nonsense.
Genome position (GRCh38, 1-based): chr11:57,611,930, A>T. VCF-style: chr11-57611930-A-T. GRCh37 (hg19) VCF-style: chr11-57379403-A-T.
Other names: c.1243A>T, p.Lys415Ter (NM_001032295.2); short protein forms K415*.
Identifiers: ClinVar variation 2694162 (VCV002694162.3), dbSNP rs2495452967, ClinGen allele CA380703530.